The following is an entry in ClinVar:

ClinVar aggregate classification (germline): Uncertain significance. Review status: criteria provided, multiple submitters, no conflicts (2 of 4 stars). 2 submissions from 2 submitters: Uncertain significance (2). Last evaluated 2024-04-22.

Submissions (2):

GeneDx
Classification: Uncertain significance. Last evaluated: 2024-04-22. Review status: criteria provided, single submitter. Criteria: GeneDx Variant Classification Process June 2021. Collection method: clinical testing. Allele origin: germline. Affected: yes.
Comment: Not observed at significant frequency in large population cohorts (gnomAD); In silico analysis supports that this missense variant has a deleterious effect on protein structure/function; Has not been previously published as pathogenic or benign to our knowledge

Labcorp Genetics (formerly Invitae), Labcorp
Classification: Uncertain significance. Last evaluated: 2023-08-27. Review status: criteria provided, single submitter. Criteria: Invitae Variant Classification Sherloc (09022015). Collection method: clinical testing. Allele origin: germline.
Comment: In summary, the available evidence is currently insufficient to determine the role of this variant in disease. Therefore, it has been classified as a Variant of Uncertain Significance. Advanced modeling of protein sequence and biophysical properties (such as structural, functional, and spatial information, amino acid conservation, physicochemical variation, residue mobility, and thermodynamic stability) performed at Invitae indicates that this missense variant is not expected to disrupt CTNNA1 protein function. This variant has not been reported in the literature in individuals affected with CTNNA1-related conditions. This variant is not present in population databases (gnomAD no frequency). This sequence change replaces leucine, which is neutral and non-polar, with proline, which is neutral and non-polar, at codon 23 of the CTNNA1 protein (p.Leu23Pro).

NM_001903.5(CTNNA1):c.68T>C (p.Leu23Pro)

Gene: CTNNA1 (catenin alpha 1; plus strand). Cytogenetic location: 5q31.2.
Variant type: single nucleotide variant.
Coding change: c.68T>C on transcript NM_001903.5 (MANE Select); coding-DNA position 68, T replaced by C.
Protein change: p.Leu23Pro; replaces leucine 23 with proline.
Molecular consequence: missense variant. On other transcripts: 5 prime UTR variant (2).
Genome position (GRCh38, 1-based): chr5:138,781,992, T>C. VCF-style: chr5-138781992-T-C. GRCh37 (hg19) VCF-style: chr5-138117681-T-C.
Other names: c.68T>C, p.Leu23Pro (NM_001290307.3, NM_001323982.2, NM_001323983.1 and 3 more transcripts); c.-46T>C (NM_001290309.3); c.-139T>C (NM_001290310.3); c.68T>C (NM_001903.3); short protein forms L23P.
Identifiers: ClinVar variation 2755727 (VCV002755727.4), dbSNP rs762931250, ClinGen allele CA361477168.
Genomic context (GRCh38, chr5:138,781,992, plus strand): 5'-CTGTCCATGCAGGCAACATAAACTTCAAGTGGGATCCTAAAAGTCTAGAGATCAGGACTC[T>C]GGCAGTTGAGAGACTGTTGGAGCCTCTTGTTACACAGGTAAGAATCTGAAAACACAAATA-3'
Protein context (NP_001894.2, residues 13-33): WDPKSLEIRT[Leu23Pro]AVERLLEPLV